The following is an entry in ClinVar:

ClinVar aggregate classification (germline): Uncertain significance. Review status: criteria provided, multiple submitters, no conflicts (2 of 4 stars). 2 submissions from 2 submitters: Uncertain significance (2). Last evaluated 2025-04-14.

Conditions:
3-Methylglutaconic aciduria type 2 (BTHS). Also called: Barth syndrome; CARDIOSKELETAL MYOPATHY WITH NEUTROPENIA AND ABNORMAL MITOCHONDRIA. Identifiers: Orphanet 111, MedGen C0574083, MONDO:0010543, OMIM 302060.

Submissions (2):

Labcorp Genetics (formerly Invitae), Labcorp
Classification: Uncertain significance for 3-Methylglutaconic aciduria type 2. Last evaluated: 2025-04-14. Review status: criteria provided, single submitter. Criteria: Invitae Variant Classification Sherloc (09022015). Collection method: clinical testing. Allele origin: germline.
Comment: This sequence change replaces arginine, which is basic and polar, with tryptophan, which is neutral and slightly polar, at codon 263 of the TAZ protein (p.Arg263Trp). This variant is not present in population databases (gnomAD no frequency). This variant has not been reported in the literature in individuals affected with TAZ-related conditions. ClinVar contains an entry for this variant (Variation ID: 3625351). An algorithm developed to predict the effect of missense changes on protein structure and function (PolyPhen-2) suggests that this variant is likely to be disruptive. In summary, the available evidence is currently insufficient to determine the role of this variant in disease. Therefore, it has been classified as a Variant of Uncertain Significance.

Revvity Omics, Revvity
Classification: Uncertain significance for 3-Methylglutaconic aciduria type 2. Last evaluated: 2024-10-11. Review status: criteria provided, single submitter. Criteria: ACMG Guidelines, 2015. Collection method: clinical testing. Allele origin: germline.

NM_000116.5(TAFAZZIN):c.787C>T (p.Arg263Trp)

Gene: TAFAZZIN (tafazzin, phospholipid-lysophospholipid transacylase; plus strand). Cytogenetic location: Xq28.
Variant type: single nucleotide variant.
Coding change: c.787C>T on transcript NM_000116.5 (MANE Select); coding-DNA position 787, C replaced by T.
Protein change: p.Arg263Trp; replaces arginine 263 with tryptophan.
Molecular consequence: missense variant. On other transcripts: non-coding transcript variant (1).
Genome position (GRCh38, 1-based): chrX:154,420,912, C>T. VCF-style: chrX-154420912-C-T. GRCh37 (hg19) VCF-style: chrX-153649251-C-T.
Other names: c.799C>T, p.Arg267Trp (NM_001303465.2); c.751C>T, p.Arg251Trp (NM_001410698.1); c.697C>T, p.Arg233Trp (NM_181311.4); c.745C>T, p.Arg249Trp (NM_181312.4); c.655C>T, p.Arg219Trp (NM_181313.4); short protein forms R219W, R233W, R249W, R251W, R263W, R267W.
Identifiers: ClinVar variation 3625351 (VCV003625351.3).